The following is an entry in ClinVar:

NM_022124.6(CDH23):c.5536G>A (p.Asp1846Asn)

Gene: CDH23 (cadherin related 23; plus strand). Cytogenetic location: 10q22.1.
Variant type: single nucleotide variant.
Coding change: c.5536G>A on transcript NM_022124.6 (MANE Select); coding-DNA position 5536, G replaced by A.
Protein change: p.Asp1846Asn; replaces aspartic acid 1846 with asparagine.
Molecular consequence: missense variant.
Genome position (GRCh38, 1-based): chr10:71,784,924, G>A. VCF-style: chr10-71784924-G-A. GRCh37 (hg19) VCF-style: chr10-73544681-G-A.
Other names: short protein forms D1846N.
Identifiers: ClinVar variation 1303077 (VCV001303077.9), dbSNP rs746323558, ClinGen allele CA5545807.
Genomic context (GRCh38, chr10:71,784,924, plus strand): 5'-TCCCTCCTCCTTCTCTGACTGGCCCAGATGCTGGTGGGGATCCGGGTGCTGGACATCAAC[G>A]ACAACGACCCTGTGCTGCTGAACCTGCCCATGAACATCACCATCAGCGAGAACAGCCCTG-3'
Protein context (NP_071407.4, residues 1836-1856): LVGIRVLDIN[Asp1846Asn]NDPVLLNLPM

ClinVar aggregate classification (germline): Uncertain significance. Review status: criteria provided, multiple submitters, no conflicts (2 of 4 stars). 3 submissions from 3 submitters: Uncertain significance (3). Last evaluated 2025-12-01.

Allele frequency attached by ClinVar (database versions not stated): TOPMed below 0.00001; gnomAD 0.00001; ExAC 0.00002.
gnomAD v4.1: 38 of 1,613,872 alleles (0.0024%); highest among the groups gnomAD compares: Non-Finnish European, 0.003%; no homozygotes.

Submissions (3):

Labcorp Genetics (formerly Invitae), Labcorp
Classification: Uncertain significance. Last evaluated: 2025-12-01. Review status: criteria provided, single submitter. Criteria: Invitae Variant Classification Sherloc (09022015). Collection method: clinical testing. Allele origin: germline.
Comment: This sequence change replaces aspartic acid, which is acidic and polar, with asparagine, which is neutral and polar, at codon 1846 of the CDH23 protein (p.Asp1846Asn). This variant is present in population databases (rs746323558, gnomAD 0.003%). This missense change has been observed in individual(s) with deafness (PMID: 12075507, 12786748). ClinVar contains an entry for this variant (Variation ID: 1303077). Invitae Evidence Modeling of protein sequence and biophysical properties (such as structural, functional, and spatial information, amino acid conservation, physicochemical variation, residue mobility, and thermodynamic stability) has been performed for this missense variant. However, the output from this modeling did not meet the statistical confidence thresholds required to predict the impact of this variant on CDH23 protein function. In summary, the available evidence is currently insufficient to determine the role of this variant in disease. Therefore, it has been classified as a Variant of Uncertain Significance.

Women's Health and Genetics/Laboratory Corporation of America, LabCorp
Classification: Uncertain significance. Last evaluated: 2022-11-15. Review status: criteria provided, single submitter. Criteria: LabCorp Variant Classification Summary - May 2015. Collection method: clinical testing. Allele origin: germline.
Comment: Variant summary: CDH23 c.5536G>A (p.Asp1846Asn) results in a conservative amino acid change in the encoded protein sequence. Four of five in-silico tools predict a damaging effect of the variant on protein function. The variant allele was found at a frequency of 8e-06 in 249394 control chromosomes (gnomAD). The available data on variant occurrences in the general population are insufficient to allow any conclusion about variant significance. c.5536G>A has been reported in the literature in the compound heterozygous state in an individual affected with recessive non-syndromic deafness (Astuto_2002). This report does not provide unequivocal conclusions about association of the variant with Usher Syndrome. To our knowledge, no experimental evidence demonstrating an impact on protein function has been reported. Two clinical diagnostic laboratories have submitted clinical-significance assessments for this variant to ClinVar after 2014 and both classified the variant as uncertain significance. Based on the evidence outlined above, the variant was classified as uncertain significance.

GeneDx
Classification: Uncertain significance. Last evaluated: 2019-09-18. Review status: criteria provided, single submitter. Criteria: GeneDx Variant Classification Process June 2021. Collection method: clinical testing. Allele origin: germline. Affected: yes.
Comment: Observed with another CDH23 variant in a family with hearing loss in published literature (Astuto et al., 2002); Not observed at a significant frequency in large population cohorts (Lek et al., 2016); In silico analysis, which includes protein predictors and evolutionary conservation, supports a deleterious effect; This variant is associated with the following publications: (PMID: 18727382, 12075507, 12786748, 18368581)

Literature cited by the submitters: PubMed 12075507 (cited by Labcorp Genetics (formerly Invitae), Labcorp and Women's Health and Genetics/Laboratory Corporation of America, LabCorp); PubMed 12786748 (cited by Labcorp Genetics (formerly Invitae), Labcorp).